The following is an entry in ClinVar:

ClinVar aggregate classification (germline): Uncertain significance (1 of 4 stars; one submission).

gnomAD v4.1: 11 of 1,205,757 alleles (0.00091%); highest among the groups gnomAD compares: Non-Finnish European, 0.0012%; no homozygotes.

Submission:

GeneDx
Classification: Uncertain significance. Last evaluated: 2026-02-02. Review status: criteria provided, single submitter. Criteria: GeneDx Variant Classification Process June 2021. Collection method: clinical testing. Allele origin: germline.
Comment: Not observed at significant frequency in large population cohorts (gnomAD); In silico analysis suggests that this missense variant does not alter protein structure/function; Has not been previously published as pathogenic or benign to our knowledge

NM_012280.4(FTSJ1):c.193G>T (p.Gly65Cys)

Gene: FTSJ1 (FtsJ RNA 2'-O-methyltransferase 1; plus strand). Cytogenetic location: Xp11.23.
Variant type: single nucleotide variant.
Coding change: c.193G>T on transcript NM_012280.4 (MANE Select); coding-DNA position 193, G replaced by T.
Protein change: p.Gly65Cys; replaces glycine 65 with cysteine.
Molecular consequence: missense variant. On other transcripts: intron variant (1).
Genome position (GRCh38, 1-based): chrX:48,478,618, G>T. VCF-style: chrX-48478618-G-T. GRCh37 (hg19) VCF-style: chrX-48337006-G-T.
Other names: c.193G>T, p.Gly65Cys (NM_001441195.1, NM_001441196.1, NM_001441197.1 and 4 more transcripts); c.-76-420G>T (NM_001282157.2); short protein forms G65C.
Identifiers: ClinVar variation 4975095 (VCV004975095.1).
Genomic context (GRCh38, chrX:48,478,618, plus strand): 5'-GGCTGGGTGGGAGGGGCCCGGGAGCGAAACTAGGCTGATGTGGGCCATGTTGTCCACAGG[G>T]GCCAAGGGTCCGGCCACGTGGTGGCTGTGGACCTGCAGGCTATGGCTCCACTACCAGGTG-3'
Protein context (NP_036412.1, residues 55-75): WSQVLSQKIG[Gly65Cys]QGSGHVVAVD